The following is an entry in ClinVar:

ClinVar aggregate classification (germline): Conflicting classifications of pathogenicity. Review status: criteria provided, conflicting classifications (1 of 4 stars). 10 submissions from 10 submitters: Uncertain significance (3); Benign (1); Likely benign (5). 1 of the submissions does not count toward it. Last evaluated 2026-01-29.

Conditions:
AXIN2-related disorder.
Hereditary cancer-predisposing syndrome. Also called: Neoplastic Syndromes, Hereditary; Hereditary Cancer Syndrome; Tumor predisposition; Hereditary neoplastic syndrome. Identifiers: Orphanet 140162, MedGen C0027672, MeSH D009386, MONDO:0015356.
Oligodontia-cancer predisposition syndrome. Also called: TOOTH AGENESIS-COLORECTAL CANCER SYNDROME. Identifiers: Orphanet 300576, MedGen C1837750, MONDO:0012075, OMIM 608615. Disease mechanism: loss of function.

Allele frequency attached by ClinVar (database versions not stated): gnomAD 0.00005 and 0.00009; TOPMed 0.00015; gnomAD exomes 0.00026; ExAC 0.00048; 1000 Genomes Project 30x 0.00062; 1000 Genomes Project 0.00080.
gnomAD v4.1: 127 of 1,608,784 alleles (0.0079%); highest among the groups gnomAD compares: East Asian, 0.25%; no homozygotes.

Submissions (10):

Labcorp Genetics (formerly Invitae), Labcorp
Classification: Benign for Oligodontia-cancer predisposition syndrome. Last evaluated: 2026-01-29. Review status: criteria provided, single submitter. Criteria: Invitae Variant Classification Sherloc (09022015). Collection method: clinical testing. Allele origin: germline.

Dasa
Classification: Likely benign. Last evaluated: 2025-11-17. Review status: criteria provided, single submitter. Criteria: DASA Assertion Criteria. Collection method: clinical testing. Allele origin: germline.
Comment: NM_004655.4(AXIN2):c.2140C>T (p.Arg714Trp) is interpreted based on available population and clinical evidence, including population frequency and no convincing observation in affected individuals. Based on the available data, this variant is classified as likely benign.

Center for Genomic Medicine, Rigshospitalet, Copenhagen University Hospital
Classification: Uncertain significance. Last evaluated: 2025-03-04. Review status: criteria provided, single submitter. Criteria: ACMG Guidelines, 2015. Collection method: clinical testing. Allele origin: germline.

GeneDx
Classification: Uncertain significance. Last evaluated: 2025-02-20. Review status: criteria provided, single submitter. Criteria: GeneDx Variant Classification Process June 2021. Collection method: clinical testing. Allele origin: germline. Affected: yes.
Comment: In silico analysis supports that this missense variant has a deleterious effect on protein structure/function; Identified in an individual with colorectal cancer demonstrating microsatellite instability (MSI-H), in an individual with serrated polyposis syndrome, and in an individual with multiple primary cancers (PMID: 31769227, 36419139, 36896836); This variant is associated with the following publications: (PMID: 22895193, Wei2020[CaseReport], 34426522, 15735151, 31769227, 36419139, 36896836, 39912710)

Blueprint Genetics
Classification: Likely benign. Last evaluated: 2024-11-27. Review status: criteria provided, single submitter. Criteria: ACMG Guidelines, 2015. Collection method: clinical testing. Allele origin: germline.

Molecular Pathology, Peter Maccallum Cancer Centre
Classification: Likely benign for Oligodontia-cancer predisposition syndrome. Last evaluated: 2024-08-08. Review status: criteria provided, single submitter. Criteria: ACMG Guidelines, 2015. Collection method: clinical testing. Allele origin: germline. Inheritance: Autosomal dominant inheritance.

Ambry Genetics
Classification: Likely benign for Hereditary cancer-predisposing syndrome. Last evaluated: 2021-11-23. Review status: criteria provided, single submitter. Criteria: Ambry Variant Classification Scheme 2023. Collection method: clinical testing. Allele origin: germline.

Sema4
Classification: Likely benign for Hereditary cancer-predisposing syndrome. Last evaluated: 2021-11-15. Review status: criteria provided, single submitter. Criteria: Sema4 Curation Guidelines. Collection method: curation. Allele origin: germline.

ARUP Laboratories, Molecular Genetics and Genomics, ARUP Laboratories
Classification: Uncertain significance. Last evaluated: 2019-12-13. Review status: criteria provided, single submitter. Criteria: ARUP Molecular Germline Variant Investigation Process. Collection method: clinical testing. Allele origin: germline.
Comment: The AXIN2 c.2140C>T; p.Arg714Trp variant (rs148765149), to our knowledge, is not reported in the medical literature but is reported in ClinVar (Variation ID: 240007). This variant is found in the general East Asian population with an allele frequency of 0.3% (63/19344 alleles) in the Genome Aggregation Database. The arginine at codon 714 is highly conserved, and computational analyses (SIFT, PolyPhen-2) predict that this variant is deleterious. Given the high allele frequency in the East Asian population, this variant may be a benign polymorphism; however, due to insufficient information, the clinical significance of this variant is uncertain at this time.

PreventionGenetics, part of Exact Sciences
Classification: Likely benign for AXIN2-related condition. Last evaluated: 2020-10-07. Review status: no assertion criteria provided. Collection method: clinical testing. Allele origin: germline. Not counted in ClinVar's aggregate classification.
Comment: This variant is classified as likely benign based on ACMG/AMP sequence variant interpretation guidelines (Richards et al. 2015 PMID: 25741868, with internal and published modifications).

Literature cited by the submitters: PubMed 31769227 (cited by Ambry Genetics).

NM_004655.4(AXIN2):c.2140C>T (p.Arg714Trp)

Gene: AXIN2 (axin 2; minus strand). Cytogenetic location: 17q24.1.
Variant type: single nucleotide variant.
Coding change: c.2140C>T on transcript NM_004655.4 (MANE Select); coding-DNA position 2140, C replaced by T.
Protein change: p.Arg714Trp; replaces arginine 714 with tryptophan.
Molecular consequence: missense variant.
Genome position (GRCh38, 1-based): chr17:65,536,321, G>A on the plus strand (C>T on the coding strand, the complement: AXIN2 is on the minus strand). VCF-style: chr17-65536321-G-A. GRCh37 (hg19) VCF-style: chr17-63532439-G-A.
Other names: c.2140C>T (LRG_296t1); c.1945C>T, p.Arg649Trp (NM_001363813.1); short protein forms R714W, R649W.
Identifiers: ClinVar variation 240007 (VCV000240007.37), dbSNP rs148765149, ClinGen allele CA8718406.